The following is an entry in ClinVar:

NM_004380.3(CREBBP):c.1063_1064del (p.Gln355fs)

Gene: CREBBP (CREB binding lysine acetyltransferase; minus strand). Cytogenetic location: 16p13.3.
Variant type: Deletion.
Coding change: c.1063_1064del on transcript NM_004380.3 (MANE Select); coding-DNA positions 1063 to 1064, 2 bases deleted (CA; older notation c.1063_1064delCA).
Protein change: p.Gln355fs; shifts the reading frame from glutamine 355.
Molecular consequence: frameshift variant.
Genome position (GRCh38, 1-based): chr16:3,793,538-3,793,539, TG deleted on the plus strand (CA on the coding strand, the reverse complement: CREBBP is on the minus strand); deleting any 2 consecutive bases within chr16:3,793,538-3,793,540 gives the same sequence; the c. name uses the placement nearest the transcript's 3' end. VCF-style (leftmost placement, unchanged base first): chr16-3793537-CTG-C. GRCh37 (hg19) VCF-style: chr16-3843538-CTG-C.
Other names: c.1063_1064del, p.Gln355fs (NM_001079846.1); short protein forms Q355fs.
Identifiers: ClinVar variation 4735055 (VCV004735055.1).

ClinVar aggregate classification (germline): Pathogenic (1 of 4 stars; one submission).

Conditions:
Rubinstein-Taybi syndrome (RSTS). Identifiers: Orphanet 783, MedGen C0035934, MONDO:0019188.

Submission:

Labcorp Genetics (formerly Invitae), Labcorp
Classification: Pathogenic for Rubinstein-Taybi syndrome. Last evaluated: 2026-01-11. Review status: criteria provided, single submitter. Criteria: Invitae Variant Classification Sherloc (09022015). Collection method: clinical testing. Allele origin: germline.
Comment: This sequence change creates a premature translational stop signal (p.Gln355Alafs*11) in the CREBBP gene. It is expected to result in an absent or disrupted protein product. Loss-of-function variants in CREBBP are known to be pathogenic (PMID: 17052327, 18792986). This variant is not present in population databases (gnomAD no frequency). This variant has not been reported in the literature in individuals affected with CREBBP-related conditions. For these reasons, this variant has been classified as Pathogenic.

Literature cited by the submitters: PubMed 17052327; PubMed 18792986.